The following is an entry in ClinVar:

ClinVar aggregate classification (germline): Uncertain significance. Review status: criteria provided, multiple submitters, no conflicts (2 of 4 stars). 2 submissions from 2 submitters: Uncertain significance (2). Last evaluated 2023-10-19.

Conditions:
Inborn genetic diseases. Identifiers: MedGen C0950123, MeSH D030342.

Allele frequency attached by ClinVar (database versions not stated): gnomAD 0.00001; gnomAD exomes 0.00001.
gnomAD v4.1: 4 of 1,612,558 alleles (0.00025%); highest among the groups gnomAD compares: East Asian, 0.0022%; no homozygotes.

Submissions (2):

Clinical Genomics Laboratory, Washington University in St. Louis
Classification: Uncertain significance. Last evaluated: 2023-10-19. Review status: criteria provided, single submitter. Criteria: ACMG Guidelines, 2015. Collection method: clinical testing. Allele origin: germline.
Comment: The DAGLA c.2468T>C (p.Ile823Thr) variant, to our knowledge, has not been reported in the medical literature and is absent from the general population (gnomAD v.2.1.1), indicating it is not a common variant. Computational predictors are uncertain as to the impact of this variant on DAGLA function. Due to limited information, the clinical significance of this variant is uncertain.

Ambry Genetics
Classification: Uncertain significance for Inborn genetic diseases. Last evaluated: 2023-09-29. Review status: criteria provided, single submitter. Criteria: Ambry Variant Classification Scheme 2023. Collection method: clinical testing. Allele origin: germline.

NM_006133.3(DAGLA):c.2468T>C (p.Ile823Thr)

Gene: DAGLA (diacylglycerol lipase alpha; plus strand). Cytogenetic location: 11q12.2.
Variant type: single nucleotide variant.
Coding change: c.2468T>C on transcript NM_006133.3 (MANE Select); coding-DNA position 2468, T replaced by C.
Protein change: p.Ile823Thr; replaces isoleucine 823 with threonine.
Molecular consequence: missense variant.
Genome position (GRCh38, 1-based): chr11:61,743,828, T>C. VCF-style: chr11-61743828-T-C. GRCh37 (hg19) VCF-style: chr11-61511300-T-C.
Other names: c.2468T>C (NM_006133.2); short protein forms I823T.
Identifiers: ClinVar variation 2672162 (VCV002672162.2), dbSNP rs563501324, ClinGen allele CA222908572.
Genomic context (GRCh38, chr11:61,743,828, plus strand): 5'-TCCGGGGCTCCCCCAGCCTCCACGCTGTGCTGGAGCGTGATGAAGGCCACCTCTTCTACA[T>C]TGACCCTGCCATCCCCGAGGAAAACCCATCCCTGAGCTCGCGCACTGAGCTGCTGGCGGC-3'
Protein context (NP_006124.1, residues 813-833): LERDEGHLFY[Ile823Thr]DPAIPEENPS